The following is an entry in ClinVar:

ClinVar aggregate classification (germline): Uncertain significance (1 of 4 stars; one submission).

Conditions:
Dyskeratosis congenita. Identifiers: Orphanet 1775, MedGen C0265965, MONDO:0015780.

Submission:

Labcorp Genetics (formerly Invitae), Labcorp
Classification: Uncertain significance for Dyskeratosis congenita. Last evaluated: 2022-09-01. Review status: criteria provided, single submitter. Criteria: Invitae Variant Classification Sherloc (09022015). Collection method: clinical testing. Allele origin: germline.
Comment: In summary, the available evidence is currently insufficient to determine the role of this variant in disease. Therefore, it has been classified as a Variant of Uncertain Significance. Algorithms developed to predict the effect of sequence changes on RNA splicing suggest that this variant may create or strengthen a splice site. ClinVar contains an entry for this variant (Variation ID: 1432972). Similar protein extension(s) have been observed in individual(s) with clinical features of dyskeratosis congenita (PMID: 18523010). This variant is not present in population databases (gnomAD no frequency). This sequence change disrupts the translational stop signal of the NHP2 mRNA. It is expected to extend the length of the NHP2 protein by 51 additional amino acid residues.

Literature cited by the submitters: PubMed 18523010.

NM_017838.4(NHP2):c.460T>G (p.Ter154Gly)

Genes: NHP2 (NHP2 ribonucleoprotein; minus strand), RMND5B (required for meiotic nuclear division 5 homolog B; plus strand). Cytogenetic location: 5q35.3.
Variant type: single nucleotide variant.
Coding change: c.460T>G on transcript NM_017838.4 (MANE Select); coding-DNA position 460, T replaced by G.
Protein change: p.Ter154Gly.
Molecular consequence: stop lost. On other transcripts: 3 prime UTR variant (5).
Genome position (GRCh38, 1-based): chr5:178,149,715, A>C on the plus strand (T>G on the coding strand, the complement: NHP2 is on the minus strand). VCF-style: chr5-178149715-A-C. GRCh37 (hg19) VCF-style: chr5-177576716-A-C.
Other names: c.*81T>G (NM_001034833.2, NM_001396110.1); c.*1683A>C (NM_001288794.2, NM_001288795.2, NM_022762.5).
Identifiers: ClinVar variation 1432972 (VCV001432972.6), dbSNP rs121908091, ClinGen allele CA362390898.